The following is an entry in ClinVar:

ClinVar aggregate classification (germline): Uncertain significance. Review status: criteria provided, multiple submitters, no conflicts (2 of 4 stars). 3 submissions from 3 submitters: Uncertain significance (3). Last evaluated 2024-06-03.

Conditions:
Imerslund-Grasbeck syndrome type 1 (IGS1). Also called: Megaloblastic anemia 1, Finnish type; MEGALOBLASTIC ANEMIA, 1; Imerslund-Gräsbeck syndrome 1. Identifiers: MedGen C4016819, MONDO:0100156, OMIM 261100.
Proteinuria, chronic benign. Identifiers: MedGen C5394384, MONDO:0030042, OMIM 618884.
Inborn genetic diseases. Identifiers: MedGen C0950123, MeSH D030342.
Imerslund-Grasbeck syndrome. Also called: ENTEROCYTE COBALAMIN MALABSORPTION; ENTEROCYTE INTRINSIC FACTOR RECEPTOR, DEFECT OF; PERNICIOUS ANEMIA, JUVENILE, DUE TO SELECTIVE INTESTINAL MALABSORPTION OF VITAMIN B12, WITH PROTEINURIA; Imerslund-Gräsbeck syndrome; Megaloblastic anemia due to inborn errors of metabolism. Identifiers: Orphanet 35858, MedGen C4551825, MONDO:0009853.

Allele frequency attached by ClinVar (database versions not stated): TOPMed 0.00001; ExAC 0.00003.
gnomAD v4.1: 24 of 1,612,930 alleles (0.0015%); highest among the groups gnomAD compares: South Asian, 0.0066%; no homozygotes.

Submissions (3):

Fulgent Genetics
Classification: Uncertain significance for Imerslund-Grasbeck syndrome type 1; Proteinuria, chronic benign. Last evaluated: 2024-06-03. Review status: criteria provided, single submitter. Criteria: ACMG Guidelines, 2015. Collection method: clinical testing. Allele origin: germline.

Ambry Genetics
Classification: Uncertain significance for Inborn genetic diseases. Last evaluated: 2022-10-04. Review status: criteria provided, single submitter. Criteria: Ambry Variant Classification Scheme 2023. Collection method: clinical testing. Allele origin: germline.

Labcorp Genetics (formerly Invitae), Labcorp
Classification: Uncertain significance for Imerslund-Grasbeck syndrome. Last evaluated: 2022-08-09. Review status: criteria provided, single submitter. Criteria: Invitae Variant Classification Sherloc (09022015). Collection method: clinical testing. Allele origin: germline.
Comment: This sequence change replaces glycine, which is neutral and non-polar, with serine, which is neutral and polar, at codon 599 of the CUBN protein (p.Gly599Ser). In summary, the available evidence is currently insufficient to determine the role of this variant in disease. Therefore, it has been classified as a Variant of Uncertain Significance. Algorithms developed to predict the effect of missense changes on protein structure and function (SIFT, PolyPhen-2, Align-GVGD) all suggest that this variant is likely to be disruptive. This variant has not been reported in the literature in individuals affected with CUBN-related conditions. This variant is present in population databases (rs763407147, gnomAD 0.006%).

NM_001081.4(CUBN):c.1795G>A (p.Gly599Ser)

Gene: CUBN (cubilin; minus strand). Cytogenetic location: 10p13.
Variant type: single nucleotide variant.
Coding change: c.1795G>A on transcript NM_001081.4 (MANE Select); coding-DNA position 1795, G replaced by A.
Protein change: p.Gly599Ser; replaces glycine 599 with serine.
Molecular consequence: missense variant.
Genome position (GRCh38, 1-based): chr10:17,088,316, C>T on the plus strand (G>A on the coding strand, the complement: CUBN is on the minus strand). VCF-style: chr10-17088316-C-T. GRCh37 (hg19) VCF-style: chr10-17130315-C-T.
Other names: short protein forms G599S.
Identifiers: ClinVar variation 1964320 (VCV001964320.7), dbSNP rs763407147, ClinGen allele CA5425184.